The following is an entry in ClinVar:

ClinVar aggregate classification (germline): Conflicting classifications of pathogenicity. Review status: criteria provided, conflicting classifications (1 of 4 stars). 2 submissions from 2 submitters: Pathogenic (1); Uncertain significance (1). Last evaluated 2025-08-20.

Conditions:
Inborn genetic diseases. Identifiers: MedGen C0950123, MeSH D030342.
3 beta-Hydroxysteroid dehydrogenase deficiency. Also called: 3-BETA-HSD DEFICIENCY; ADRENAL HYPERPLASIA II; Congenital adrenal hyperplasia due to 3-beta-hydroxysteroid dehydrogenase deficiency; 3b-hydroxysteroid dehydrogenase deficiency; ADRENAL HYPERPLASIA, CONGENITAL, DUE TO 3-BETA-HYDROXYSTEROID DEHYDROGENASE 2 DEFICIENCY. Identifiers: Orphanet 90791, MedGen C0342471, MeSH C538236, MONDO:0008727, OMIM 201810. Disease mechanism: loss of function.

gnomAD v4.1: 38 of 1,613,854 alleles (0.0024%); highest among the groups gnomAD compares: East Asian, 0.0067%; no homozygotes.

Submissions (2):

Ambry Genetics
Classification: Uncertain significance for Inborn genetic diseases. Last evaluated: 2025-08-20. Review status: criteria provided, single submitter. Criteria: Ambry Variant Classification Scheme 2023. Collection method: clinical testing. Allele origin: germline.

Clinical Biochemistry Laboratory, Health Services Laboratory
Classification: Pathogenic for 3 beta-Hydroxysteroid dehydrogenase deficiency. Last evaluated: 2023-11-20. Review status: criteria provided, single submitter. Criteria: ACMG Guidelines, 2015. Collection method: clinical testing. Allele origin: germline. Affected: yes.
Comment: ACMG:PM1 PM2 PM7 PP3 PP4

NM_000198.4(HSD3B2):c.947G>A (p.Arg316His)

Gene: HSD3B2 (hydroxy-delta-5-steroid dehydrogenase, 3 beta- and steroid delta-isomerase 2; plus strand). Cytogenetic location: 1p12.
Variant type: single nucleotide variant.
Coding change: c.947G>A on transcript NM_000198.4 (MANE Select); coding-DNA position 947, G replaced by A.
Protein change: p.Arg316His; replaces arginine 316 with histidine.
Molecular consequence: missense variant.
Genome position (GRCh38, 1-based): chr1:119,422,448, G>A. VCF-style: chr1-119422448-G-A. GRCh37 (hg19) VCF-style: chr1-119965071-G-A.
Other names: c.947G>A, p.Arg316His (NM_001166120.2); c.947G>A (NM_000198.3); short protein forms R316H.
Identifiers: ClinVar variation 2674691 (VCV002674691.2), dbSNP rs773331795, ClinGen allele CA1036066.
Genomic context (GRCh38, chr1:119,422,448, plus strand): 5'-TGCTGGAAGTAGTGAGCTTCCTACTCAGCCCAATTTACTCCTATCAACCCCCCTTCAACC[G>A]CCACACAGTCACATTATCAAATAGTGTGTTCACCTTCTCTTACAAGAAGGCTCAGCGAGA-3'
Protein context (NP_000189.1, residues 306-326): PIYSYQPPFN[Arg316His]HTVTLSNSVF